The following is an entry in ClinVar:

NM_000937.5(POLR2A):c.1379G>A (p.Arg460Gln)

Gene: POLR2A (RNA polymerase II subunit A; plus strand). Cytogenetic location: 17p13.1.
Variant type: single nucleotide variant.
Coding change: c.1379G>A on transcript NM_000937.5 (MANE Select); coding-DNA position 1379, G replaced by A.
Protein change: p.Arg460Gln; replaces arginine 460 with glutamine.
Molecular consequence: missense variant.
Genome position (GRCh38, 1-based): chr17:7,499,082, G>A. VCF-style: chr17-7499082-G-A. GRCh37 (hg19) VCF-style: chr17-7402401-G-A.
Other names: short protein forms R460Q.
Identifiers: ClinVar variation 1343251 (VCV001343251.2), dbSNP rs1567702275, ClinGen allele CA397874649.

ClinVar aggregate classification (germline): Likely pathogenic. Review status: criteria provided, multiple submitters, no conflicts (2 of 4 stars). 2 submissions from 2 submitters: Likely pathogenic (2). Last evaluated 2023-01-25.

Conditions:
POLR2A-related disorder. Also called: POLR2A-related condition.
Neurodevelopmental disorder with hypotonia and variable intellectual and behavioral abnormalities. Identifiers: MedGen C5231423, MONDO:0032829, OMIM 618603.

Submissions (2):

Blueprint Genetics
Classification: Likely pathogenic for POLR2A-related disorders. Last evaluated: 2023-01-25. Review status: criteria provided, single submitter. Criteria: ACMG Guidelines, 2015. Collection method: clinical testing. Allele origin: de novo. Affected: yes. Observed: 1 variant allele.

Institute of Human Genetics, Clinical Exome/Genome Diagnostics Group, University Hospital Bonn
Classification: Likely pathogenic for Neurodevelopmental disorder with hypotonia and variable intellectual and behavioral abnormalities. Last evaluated: 2021-02-23. Review status: criteria provided, single submitter. Criteria: ACMG Guidelines, 2015. Collection method: clinical testing. Allele origin: de novo. Affected: yes.
Comment: PS2, PM2, PP2, PP3